The following is an entry in ClinVar:

ClinVar aggregate classification (germline): Conflicting classifications of pathogenicity. Review status: criteria provided, conflicting classifications (1 of 4 stars). 2 submissions from 2 submitters: Uncertain significance (1); Benign (1). Last evaluated 2025-09-01.

Allele frequency attached by ClinVar (database versions not stated): TOPMed 0.00074; ExAC 0.00080; gnomAD 0.00085; gnomAD exomes 0.00103; ESP Exome Variant Server 0.00108.
gnomAD v4.1: 1,650 of 1,613,598 alleles (0.1%); highest among the groups gnomAD compares: Non-Finnish European, 0.12%; no homozygotes.

Submissions (2):

CeGaT Center for Human Genetics Tuebingen
Classification: Benign. Last evaluated: 2025-09-01. Review status: criteria provided, single submitter. Criteria: CeGaT Center For Human Genetics Tuebingen Variant Classification Criteria Version 2. Collection method: clinical testing. Allele origin: germline. Affected: yes. Observed: 2 variant alleles.
Comment: TLL1: BS1, BS2

Ambry Genetics
Classification: Uncertain significance. Last evaluated: 2021-09-17. Review status: criteria provided, single submitter. Criteria: Ambry Variant Classification Scheme 2023. Collection method: clinical testing. Allele origin: germline.

NM_012464.5(TLL1):c.1747C>T (p.Arg583Cys)

Gene: TLL1 (tolloid like 1; plus strand). Cytogenetic location: 4q32.3.
Variant type: single nucleotide variant.
Coding change: c.1747C>T on transcript NM_012464.5 (MANE Select); coding-DNA position 1747, C replaced by T.
Protein change: p.Arg583Cys; replaces arginine 583 with cysteine.
Molecular consequence: missense variant.
Genome position (GRCh38, 1-based): chr4:166,057,210, C>T. VCF-style: chr4-166057210-C-T. GRCh37 (hg19) VCF-style: chr4-166978362-C-T.
Other names: short protein forms R583C.
Identifiers: ClinVar variation 2380622 (VCV002380622.16), dbSNP rs148087185, ClinGen allele CA3131004.
Genomic context (GRCh38, chr4:166,057,210, plus strand): 5'-TATAGTTGTTCTATAACTATGACCATTTTCATAGAGGAAGATGAGTGTGCCAAACCTGAC[C>T]GTGGAGGCTGTGAGCAGCGATGTCTGAACACTCTGGGCAGTTACCAGTGTGCCTGTGAGC-3'
Protein context (NP_036596.3, residues 573-593): KEEDECAKPD[Arg583Cys]GGCEQRCLNT